The following is an entry in ClinVar:

NM_001374353.1(GLI2):c.3851A>T (p.Glu1284Val)

Gene: GLI2 (GLI family zinc finger 2; plus strand). Cytogenetic location: 2q14.2.
Variant type: single nucleotide variant.
Coding change: c.3851A>T on transcript NM_001374353.1 (MANE Select); coding-DNA position 3851, A replaced by T.
Protein change: p.Glu1284Val; replaces glutamic acid 1284 with valine.
Molecular consequence: missense variant.
Genome position (GRCh38, 1-based): chr2:120,989,816, A>T. VCF-style: chr2-120989816-A-T. GRCh37 (hg19) VCF-style: chr2-121747392-A-T.
Other names: c.3902A>T, p.Glu1301Val (NM_001371271.1, NM_005270.5); c.3476A>T, p.Glu1159Val (NM_001374354.1); short protein forms E1159V, E1284V, E1301V.
Identifiers: ClinVar variation 2633007 (VCV002633007.2), dbSNP rs768405449, ClinGen allele CA1852505.
Genomic context (GRCh38, chr2:120,989,816, plus strand): 5'-GGCACCCTCAGCAGACAGAAGTGGCACCTGACCCCACCACGATGGGCAATCGCCACAGGG[A>T]ACTTGGGGTCCCCGATTCAGCCCTGGCTGGAGTGCCACCACCTCACCCAGTCCAGAGCTA-3'
Protein context (NP_001361282.1, residues 1274-1294): DPTTMGNRHR[Glu1284Val]LGVPDSALAG

ClinVar aggregate classification (germline): Uncertain significance. Review status: criteria provided, multiple submitters, no conflicts (2 of 4 stars). 2 submissions from 2 submitters: Uncertain significance (2). Last evaluated 2023-10-14.

Conditions:
Inborn genetic diseases. Identifiers: MedGen C0950123, MeSH D030342.
GLI2-related disorder. Also called: GLI2-related condition; GLI2-related disorders.

Allele frequency attached by ClinVar (database versions not stated): TOPMed below 0.00001; gnomAD 0.00001.
gnomAD v4.1: 5 of 1,611,504 alleles (0.00031%); highest among the groups gnomAD compares: East Asian, 0.0089%; no homozygotes.

Submissions (2):

Ambry Genetics
Classification: Uncertain significance for Inborn genetic diseases. Last evaluated: 2023-10-14. Review status: criteria provided, single submitter. Criteria: Ambry Variant Classification Scheme 2023. Collection method: clinical testing. Allele origin: germline.

PreventionGenetics, part of Exact Sciences
Classification: Uncertain significance for GLI2-related condition. Last evaluated: 2023-09-26. Review status: criteria provided, single submitter. Criteria: ACMG Guidelines, 2015. Collection method: clinical testing. Allele origin: germline.
Comment: The GLI2 c.3902A>T variant is predicted to result in the amino acid substitution p.Glu1301Val. To our knowledge, this variant has not been reported in the literature. This variant is reported in 0.016% of alleles in individuals of East Asian descent in gnomAD. Although we suspect that this variant may be benign, at this time, the clinical significance of this variant is uncertain due to the absence of conclusive functional and genetic evidence.